The following is an entry in ClinVar:

ClinVar aggregate classification (germline): Uncertain significance (1 of 4 stars; one submission).

Submission:

Labcorp Genetics (formerly Invitae), Labcorp
Classification: Uncertain significance. Last evaluated: 2023-07-17. Review status: criteria provided, single submitter. Criteria: Invitae Variant Classification Sherloc (09022015). Collection method: clinical testing. Allele origin: germline.
Comment: This variant has not been reported in the literature in individuals affected with PPM1D-related conditions. This variant is not present in population databases (gnomAD no frequency). This sequence change replaces glycine, which is neutral and non-polar, with serine, which is neutral and polar, at codon 463 of the PPM1D protein (p.Gly463Ser). In summary, the available evidence is currently insufficient to determine the role of this variant in disease. Therefore, it has been classified as a Variant of Uncertain Significance. Algorithms developed to predict the effect of missense changes on protein structure and function output the following: SIFT: "Not Available"; PolyPhen-2: "Benign"; Align-GVGD: "Not Available". The serine amino acid residue is found in multiple mammalian species, which suggests that this missense change does not adversely affect protein function. ClinVar contains an entry for this variant (Variation ID: 2111263).

NM_003620.4(PPM1D):c.1387G>A (p.Gly463Ser)

Gene: PPM1D (protein phosphatase, Mg2+/Mn2+ dependent 1D; plus strand). Cytogenetic location: 17q23.2.
Variant type: single nucleotide variant.
Coding change: c.1387G>A on transcript NM_003620.4 (MANE Select); coding-DNA position 1387, G replaced by A.
Protein change: p.Gly463Ser; replaces glycine 463 with serine.
Molecular consequence: missense variant.
Genome position (GRCh38, 1-based): chr17:60,663,121, G>A. VCF-style: chr17-60663121-G-A. GRCh37 (hg19) VCF-style: chr17-58740482-G-A.
Other names: short protein forms G463S.
Identifiers: ClinVar variation 2111263 (VCV002111263.4), dbSNP rs1309190078, ClinGen allele CA400456890.
Genomic context (GRCh38, chr17:60,663,121, plus strand): 5'-AATGCCTTCTCAGAGAATTTTTTAGAGGTTTCAGCTGAGATAGCTCGAGAGAATGTCCAA[G>A]GTGTAGTCATACCCTCAAAAGATCCAGAACCACTTGAAGAAAATTGCGCTAAAGCCCTGA-3'
Protein context (NP_003611.1, residues 453-473): SAEIARENVQ[Gly463Ser]VVIPSKDPEP